The following is an entry in ClinVar:

ClinVar aggregate classification (germline): Likely benign (1 of 4 stars; one submission).

Conditions:
Familial adenomatous polyposis 1 (FAP1). Also called: POLYPOSIS, ADENOMATOUS INTESTINAL; FAMILIAL ADENOMATOUS POLYPOSIS 1, ATTENUATED. Identifiers: MedGen C2713442, MONDO:0021056, OMIM 175100. Disease mechanism: loss of function.

Submission:

Myriad Genetics, Inc.
Classification: Likely benign for Familial adenomatous polyposis 1. Last evaluated: 2024-02-22. Review status: criteria provided, single submitter. Criteria: Myriad Autosomal Dominant, Autosomal Recessive and X-Linked Classification Criteria (2023). Collection method: clinical testing. Allele origin: unknown.
Comment: This variant is considered likely benign. This variant is intronic and is not expected to impact mRNA splicing.

NM_000038.6(APC):c.221-17G>C

Gene: APC (APC regulator of Wnt signaling pathway; plus strand). Cytogenetic location: 5q22.2.
Variant type: single nucleotide variant.
Coding change: c.221-17G>C on transcript NM_000038.6 (MANE Select); 17 bases into the intron before coding-DNA position 221, G replaced by C.
Molecular consequence: intron variant.
Genome position (GRCh38, 1-based): chr5:112,767,172, G>C. VCF-style: chr5-112767172-G-C. GRCh37 (hg19) VCF-style: chr5-112102869-G-C.
Other names: c.251-17G>C (NM_001407446.1, NM_001354897.2, NM_001354902.2 and 1 more transcripts); c.221-17G>C (NM_001407448.1, NM_001407450.1, NM_001407457.1 and 16 more transcripts); c.44-17G>C (NM_001407453.1, NM_001354900.2, NM_001354901.2 and 1 more transcripts); c.146-17G>C (NM_001407451.1, NM_001354898.2, NM_001354904.2); c.-815-17G>C (NM_001354906.2, NM_001407471.1, NM_001407470.1 and 1 more transcripts).
Identifiers: ClinVar variation 3148253 (VCV003148253.1), dbSNP rs2149787368, ClinGen allele CA2709972805.